The following is an entry in ClinVar:

ClinVar aggregate classification (germline): Conflicting classifications of pathogenicity. Review status: criteria provided, conflicting classifications (1 of 4 stars). 2 submissions from 2 submitters: Uncertain significance (1); Likely benign (1). Last evaluated 2023-01-01.

Allele frequency attached by ClinVar (database versions not stated): gnomAD 0.00001; TOPMed 0.00001; ExAC 0.00004.
gnomAD v4.1: 16 of 1,614,088 alleles (0.00099%); highest among the groups gnomAD compares: Middle Eastern, 0.033%; no homozygotes.

Submissions (2):

CeGaT Center for Human Genetics Tuebingen
Classification: Likely benign. Last evaluated: 2023-01-01. Review status: criteria provided, single submitter. Criteria: CeGaT Center For Human Genetics Tuebingen Variant Classification Criteria Version 2. Collection method: clinical testing. Allele origin: germline. Affected: yes. Observed: 1 variant allele.
Comment: ARHGEF10: BP4, BS1

Ambry Genetics
Classification: Uncertain significance. Last evaluated: 2022-08-17. Review status: criteria provided, single submitter. Criteria: Ambry Variant Classification Scheme 2023. Collection method: clinical testing. Allele origin: germline.

NM_014629.4(ARHGEF10):c.788C>T (p.Ser263Leu)

Gene: ARHGEF10 (Rho guanine nucleotide exchange factor 10; plus strand). Cytogenetic location: 8p23.3.
Variant type: single nucleotide variant.
Coding change: c.788C>T on transcript NM_014629.4 (MANE Select); coding-DNA position 788, C replaced by T.
Protein change: p.Ser263Leu; replaces serine 263 with leucine.
Molecular consequence: missense variant.
Genome position (GRCh38, 1-based): chr8:1,876,679, C>T. VCF-style: chr8-1876679-C-T. GRCh37 (hg19) VCF-style: chr8-1824845-C-T.
Other names: c.791C>T, p.Ser264Leu (NM_001308152.2, NM_001308153.3); short protein forms S263L, S288L, S264L.
Identifiers: ClinVar variation 2308630 (VCV002308630.26), dbSNP rs775934719, ClinGen allele CA4600021.